The following is an entry in ClinVar:

NM_003383.5(VLDLR):c.2252-2A>G

Gene: VLDLR (very low density lipoprotein receptor; plus strand). Cytogenetic location: 9p24.2.
Variant type: single nucleotide variant.
Coding change: c.2252-2A>G on transcript NM_003383.5 (MANE Select); the canonical splice acceptor site of the intron before coding-DNA position 2252, A replaced by G.
Molecular consequence: splice acceptor variant. On other transcripts: intron variant (2).
Genome position (GRCh38, 1-based): chr9:2,651,413, A>G. VCF-style: chr9-2651413-A-G. GRCh37 (hg19) VCF-style: chr9-2651413-A-G.
Other names: c.2252-461A>G (NM_001018056.3); c.2129-2A>G (NM_001322225.2); c.2129-461A>G (NM_001322226.2).
Identifiers: ClinVar variation 4847965 (VCV004847965.1).

ClinVar aggregate classification (germline): Likely pathogenic (1 of 4 stars; one submission).

Conditions:
Cerebellar ataxia, impaired intellectual development, and dysequilibrium syndrome 1. Also called: CEREBELLAR ATAXIA AND MENTAL RETARDATION WITH OR WITHOUT QUADRUPEDAL LOCOMOTION 1; CEREBELLAR ATAXIA, CONGENITAL, AND MENTAL RETARDATION, AUTOSOMAL RECESSIVE; Cerebellar ataxia, mental retardation, and dysequilibrium syndrome 1; VLDLR Cerebellar Hypoplasia; Cerebellar ataxia, intellectual disability, and dysequilibrium syndrome 1; Cerebellar hypoplasia and mental retardation with or without quadrupedal locomotion 1. Identifiers: Orphanet 1766, MedGen C4551552, MONDO:0024542, OMIM 224050.

gnomAD v4.1: 5 of 1,613,514 alleles (0.00031%); highest among the groups gnomAD compares: African/African-American, 0.0013%; no homozygotes.

Submission:

Women's Health and Genetics/Laboratory Corporation of America, LabCorp
Classification: Likely pathogenic for Cerebellar ataxia, impaired intellectual development, and dysequilibrium syndrome 1. Last evaluated: 2026-02-09. Review status: criteria provided, single submitter. Criteria: LabCorp Variant Classification Summary - May 2015. Collection method: clinical testing. Allele origin: germline.
Comment: Variant summary: VLDLR c.2252-2A>G is located in a canonical splice-site and is predicted to affect mRNA splicing resulting in a significantly altered protein due to either exon skipping, shortening, or inclusion of intronic material. Variants that disrupt the consensus splice site are a relatively common cause of aberrant splicing and loss of VLDLR function. Several computational tools predict a significant impact on normal splicing: Four predict the variant abolishes a 3' acceptor site. However, these predictions have yet to be confirmed by functional studies. The variant allele was found at a frequency of 4e-06 in 250458 control chromosomes. To our knowledge, no occurrence of c.2252-2A>G in individuals affected with VLDLR-related conditions and no experimental evidence demonstrating its impact on protein function have been reported. No submitters have cited clinical-significance assessments for this variant to ClinVar. Based on the evidence outlined above, the variant was classified as likely pathogenic.